The following is an entry in ClinVar:

NM_182760.4(SUMF1):c.707G>C (p.Arg236Pro)

Gene: SUMF1 (sulfatase modifying factor 1; minus strand). Cytogenetic location: 3p26.1.
Variant type: single nucleotide variant.
Coding change: c.707G>C on transcript NM_182760.4 (MANE Select); coding-DNA position 707, G replaced by C.
Protein change: p.Arg236Pro; replaces arginine 236 with proline.
Molecular consequence: missense variant.
Genome position (GRCh38, 1-based): chr3:4,418,028, C>G on the plus strand (G>C on the coding strand, the complement: SUMF1 is on the minus strand). VCF-style: chr3-4418028-C-G. GRCh37 (hg19) VCF-style: chr3-4459712-C-G.
Other names: c.632G>C, p.Arg211Pro (NM_001164674.2); c.707G>C, p.Arg236Pro (NM_001164675.2); short protein forms R236P, R211P.
Identifiers: ClinVar variation 1936697 (VCV001936697.4), dbSNP rs768700845, ClinGen allele CA351632438.

ClinVar aggregate classification (germline): Uncertain significance (1 of 4 stars; one submission).

Conditions:
Multiple sulfatase deficiency (MSD). Also called: Mucosulfatidosis; Multiple Sulfatase Deficiency Disease; Sulfatidosis, Juvenile, Austin Type. Identifiers: Orphanet 585, MedGen C0268263, MONDO:0010088, OMIM 272200.

gnomAD v4.1: 2 of 1,613,872 alleles (0.00012%); highest among the groups gnomAD compares: African/African-American, 0.0027%; no homozygotes.

Submission:

Labcorp Genetics (formerly Invitae), Labcorp
Classification: Uncertain significance for Multiple sulfatase deficiency. Last evaluated: 2024-08-05. Review status: criteria provided, single submitter. Criteria: Invitae Variant Classification Sherloc (09022015). Collection method: clinical testing. Allele origin: germline.
Comment: This sequence change replaces arginine, which is basic and polar, with proline, which is neutral and non-polar, at codon 236 of the SUMF1 protein (p.Arg236Pro). This variant is not present in population databases (gnomAD no frequency). This missense change has been observed in individual(s) with clinical features of multiple sulfatase deficiency (Invitae). In at least one individual the data is consistent with being in trans (on the opposite chromosome) from a pathogenic variant. ClinVar contains an entry for this variant (Variation ID: 1936697). Advanced modeling of protein sequence and biophysical properties (such as structural, functional, and spatial information, amino acid conservation, physicochemical variation, residue mobility, and thermodynamic stability) performed at Invitae indicates that this missense variant is expected to disrupt SUMF1 protein function with a positive predictive value of 80%. In summary, the available evidence is currently insufficient to determine the role of this variant in disease. Therefore, it has been classified as a Variant of Uncertain Significance.